The following is an entry in ClinVar:

NM_002439.5(MSH3):c.797C>A (p.Ala266Glu)

Gene: MSH3 (mutS homolog 3; plus strand). Cytogenetic location: 5q14.1.
Variant type: single nucleotide variant.
Coding change: c.797C>A on transcript NM_002439.5 (MANE Select); coding-DNA position 797, C replaced by A.
Protein change: p.Ala266Glu; replaces alanine 266 with glutamic acid.
Molecular consequence: missense variant.
Genome position (GRCh38, 1-based): chr5:80,672,248, C>A. VCF-style: chr5-80672248-C-A. GRCh37 (hg19) VCF-style: chr5-79968067-C-A.
Other names: short protein forms A266E.
Identifiers: ClinVar variation 1037122 (VCV001037122.8), dbSNP rs754343324, ClinGen allele CA360267058.

ClinVar aggregate classification (germline): Uncertain significance (1 of 4 stars; one submission).

Submission:

Labcorp Genetics (formerly Invitae), Labcorp
Classification: Uncertain significance. Last evaluated: 2023-12-03. Review status: criteria provided, single submitter. Criteria: Invitae Variant Classification Sherloc (09022015). Collection method: clinical testing. Allele origin: germline.
Comment: This sequence change replaces alanine, which is neutral and non-polar, with glutamic acid, which is acidic and polar, at codon 266 of the MSH3 protein (p.Ala266Glu). This variant is not present in population databases (gnomAD no frequency). This variant has not been reported in the literature in individuals affected with MSH3-related conditions. ClinVar contains an entry for this variant (Variation ID: 1037122). An algorithm developed to predict the effect of missense changes on protein structure and function (PolyPhen-2) suggests that this variant is likely to be disruptive. In summary, the available evidence is currently insufficient to determine the role of this variant in disease. Therefore, it has been classified as a Variant of Uncertain Significance.